The following is an entry in ClinVar:

ClinVar aggregate classification (germline): Uncertain significance (1 of 4 stars; one submission).

Conditions:
Nephrolithiasis/nephrocalcinosis. Identifiers: MedGen CN580796.

Submission:

Ambry Genetics
Classification: Uncertain significance for Nephrolithiasis/nephrocalcinosis. Last evaluated: 2022-12-04. Review status: criteria provided, single submitter. Criteria: Ambry Variant Classification Scheme 2023. Collection method: clinical testing. Allele origin: germline.
Comment: The p.C482G variant (also known as c.1444T>G), located in coding exon 4 of the CASR gene, results from a T to G substitution at nucleotide position 1444. The cysteine at codon 482 is replaced by glycine, an amino acid with highly dissimilar properties. This amino acid position is conserved. In addition, this alteration is predicted to be tolerated by in silico analysis. Since supporting evidence is limited at this time, the clinical significance of this alteration remains unclear.

NM_000388.4(CASR):c.1444T>G (p.Cys482Gly)

Gene: CASR (calcium sensing receptor; plus strand). Cytogenetic location: 3q21.1.
Variant type: single nucleotide variant.
Coding change: c.1444T>G on transcript NM_000388.4 (MANE Select); coding-DNA position 1444, T replaced by G.
Protein change: p.Cys482Gly; replaces cysteine 482 with glycine.
Molecular consequence: missense variant.
Genome position (GRCh38, 1-based): chr3:122,275,878, T>G. VCF-style: chr3-122275878-T-G. GRCh37 (hg19) VCF-style: chr3-121994725-T-G.
Other names: c.1444T>G, p.Cys482Gly (NM_001178065.2); short protein forms C482G.
Identifiers: ClinVar variation 2451450 (VCV002451450.2), dbSNP rs774174934, ClinGen allele CA354155054.